The following is an entry in ClinVar:

ClinVar aggregate classification (germline): Likely pathogenic. Review status: no assertion criteria provided (0 of 4 stars). 2 submissions from 2 submitters: Likely pathogenic (2). Last evaluated 2017-07-25.

Conditions:
Neuronal ceroid lipofuscinosis 1 (CLN1). Also called: CEROID LIPOFUSCINOSIS, NEURONAL, 1, VARIABLE AGE AT ONSET; PPT1-Related Neuronal Ceroid-Lipofuscinosis. Identifiers: Orphanet 228329, MedGen C1850451, MONDO:0009744, OMIM 256730.

Submissions (2):

Counsyl
Classification: Likely pathogenic for Neuronal ceroid lipofuscinosis 1. Last evaluated: 2017-07-25. Review status: no assertion criteria provided. Collection method: clinical testing. Allele origin: unknown.

Juha Muilu Group; Institute for Molecular Medicine Finland (FIMM)
Classification: Likely pathogenic for Ceroid lipofuscinosis neuronal 1. Review status: no assertion criteria provided. Collection method: not provided. Allele origin: unknown.
Comment: FinDis database variant: This variant was not found or characterized by our laboratory, data were collected from public sources: see reference
ClinVar note: Converted during submission from probable-pathogenic to Likely pathogenic.

Literature cited by the submitters: PubMed 21990111 (cited by Counsyl).

NM_000310.4(PPT1):c.114del (p.Trp38fs)

Gene: PPT1 (palmitoyl-protein thioesterase 1; minus strand). Cytogenetic location: 1p34.2.
Variant type: Deletion.
Coding change: c.114del on transcript NM_000310.4 (MANE Select); coding-DNA position 114, one base deleted (G; older notation c.114delG).
Protein change: p.Trp38fs; shifts the reading frame from tryptophan 38.
Molecular consequence: frameshift variant.
Genome position (GRCh38, 1-based): chr1:40,097,125, C deleted on the plus strand (G on the coding strand, the reverse complement: PPT1 is on the minus strand); the first of 2 consecutive C bases (chr1:40,097,125-40,097,126); deleting either gives the same sequence. VCF-style (leftmost placement, unchanged base first): chr1-40097124-GC-G. GRCh37 (hg19) VCF-style: chr1-40562796-GC-G.
Other names: c.114del, p.Trp38fs (NM_001142604.2, NM_001363695.2); c.114delG (NM_000310.3); short protein forms W38fs.
Identifiers: ClinVar variation 56174 (VCV000056174.3), dbSNP rs386833625, ClinGen allele CA263467.